The following is an entry in ClinVar:

NM_178510.2(ANKK1):c.181G>A (p.Ala61Thr)

Gene: ANKK1 (ankyrin repeat and kinase domain containing 1; plus strand). Cytogenetic location: 11q23.2.
Variant type: single nucleotide variant.
Coding change: c.181G>A on transcript NM_178510.2 (MANE Select); coding-DNA position 181, G replaced by A.
Protein change: p.Ala61Thr; replaces alanine 61 with threonine.
Molecular consequence: missense variant.
Genome position (GRCh38, 1-based): chr11:113,388,065, G>A. VCF-style: chr11-113388065-G-A. GRCh37 (hg19) VCF-style: chr11-113258787-G-A.
Other names: short protein forms A61T.
Identifiers: ClinVar variation 3048636 (VCV003048636.2), dbSNP rs181883517, ClinGen allele CA6280499.

ClinVar aggregate classification (germline): Likely benign (0 of 4 stars; one submission).

Conditions:
ANKK1-related disorder. Also called: ANKK1-related condition.

Allele frequency attached by ClinVar (database versions not stated): 1000 Genomes Project 30x 0.00016; 1000 Genomes Project 0.00020; TOPMed 0.00042; ESP Exome Variant Server 0.00053; ExAC 0.00301.

Submission:

PreventionGenetics, part of Exact Sciences
Classification: Likely benign for ANKK1-related condition. Last evaluated: 2022-11-11. Review status: no assertion criteria provided. Collection method: clinical testing. Allele origin: germline.
Comment: This variant is classified as likely benign based on ACMG/AMP sequence variant interpretation guidelines (Richards et al. 2015 PMID: 25741868, with internal and published modifications).